The following is an entry in ClinVar:

NM_002519.3(NPAT):c.2957C>G (p.Pro986Arg)

Gene: NPAT (nuclear protein, coactivator of histone transcription; minus strand). Cytogenetic location: 11q22.3.
Variant type: single nucleotide variant.
Coding change: c.2957C>G on transcript NM_002519.3 (MANE Select); coding-DNA position 2957, C replaced by G.
Protein change: p.Pro986Arg; replaces proline 986 with arginine.
Molecular consequence: missense variant.
Genome position (GRCh38, 1-based): chr11:108,169,797, G>C on the plus strand (C>G on the coding strand, the complement: NPAT is on the minus strand). VCF-style: chr11-108169797-G-C. GRCh37 (hg19) VCF-style: chr11-108040524-G-C.
Other names: c.2957C>G, p.Pro986Arg (NM_001321307.1); short protein forms P986R.
Identifiers: ClinVar variation 3407183 (VCV003407183.1).

ClinVar aggregate classification (germline): Uncertain significance (1 of 4 stars; one submission).

Submission:

Ambry Genetics
Classification: Uncertain significance. Last evaluated: 2024-08-02. Review status: criteria provided, single submitter. Criteria: Ambry Variant Classification Scheme 2023. Collection method: clinical testing. Allele origin: germline.
Comment: The p.P986R variant (also known as c.2957C>G), located in coding exon 15 of the NPAT gene, results from a C to G substitution at nucleotide position 2957. The proline at codon 986 is replaced by arginine, an amino acid with dissimilar properties. This amino acid position is conserved. In addition, this alteration is predicted to be tolerated by in silico analysis. Based on the available evidence, the clinical significance of this variant remains unclear.